The following is an entry in ClinVar:

NM_001048174.2(MUTYH):c.1155G>C (p.Glu385Asp)

Gene: MUTYH (mutY DNA glycosylase; minus strand). Cytogenetic location: 1p34.1.
Variant type: single nucleotide variant.
Coding change: c.1155G>C on transcript NM_001048174.2 (MANE Select); coding-DNA position 1155, G replaced by C.
Protein change: p.Glu385Asp; replaces glutamic acid 385 with aspartic acid.
Molecular consequence: missense variant. On other transcripts: non-coding transcript variant (7).
Genome position (GRCh38, 1-based): chr1:45,331,504, C>G on the plus strand (G>C on the coding strand, the complement: MUTYH is on the minus strand). VCF-style: chr1-45331504-C-G. GRCh37 (hg19) VCF-style: chr1-45797176-C-G.
Other names: c.1230G>C, p.Glu410Asp (NM_012222.3); c.1155G>C, p.Glu385Asp (NM_001293195.2, NM_001407070.1, NM_001407072.1 and 6 more transcripts); c.879G>C, p.Glu293Asp (NM_001293196.2, NM_001407091.1, NM_001293192.2); c.810G>C, p.Glu270Asp (NM_001350650.2, NM_001350651.2, NM_001407082.1); c.1188G>C, p.Glu396Asp (NM_001407069.1, NM_001293191.2, NM_001407077.1); c.1158G>C, p.Glu386Asp (NM_001407071.1, NM_001048172.2, NM_001407078.1 and 1 more transcripts); c.1176G>C, p.Glu392Asp (NM_001407087.1); c.1239G>C, p.Glu413Asp (NM_001128425.2); and 5 more; short protein forms E293D, E357D, E371D, E372D, E399D, E400D, E385D, E396D.
Identifiers: ClinVar variation 4113117 (VCV004113117.1).
Genomic context (GRCh38, chr1:45,331,504, plus strand): 5'-GGCTGGGAGGGGCCCAGCCCAACGCTGTAGTTCCTGCAGCAGGGCCTTGCGCTGAAGCTG[C>G]TCTGAGGGCTCCCAGGTCACGGACGGGAACTCCCACAGTCCTGCCAGCAGACCTGAGAGG-3'
Protein context (NP_001041639.1, residues 375-395): EFPSVTWEPS[Glu385Asp]QLQRKALLQE

ClinVar aggregate classification (germline): Uncertain significance (1 of 4 stars; one submission).

Conditions:
Hereditary cancer-predisposing syndrome. Also called: Tumor predisposition; Neoplastic Syndromes, Hereditary; Hereditary neoplastic syndrome; Hereditary Cancer Syndrome. Identifiers: Orphanet 140162, MedGen C0027672, MeSH D009386, MONDO:0015356.

Submission:

Ambry Genetics
Classification: Uncertain significance for Hereditary cancer-predisposing syndrome. Last evaluated: 2025-08-27. Review status: criteria provided, single submitter. Criteria: Ambry Variant Classification Scheme 2023. Collection method: clinical testing. Allele origin: germline.
Comment: The p.E413D variant (also known as c.1239G>C), located in coding exon 13 of the MUTYH gene, results from a G to C substitution at nucleotide position 1239. The glutamic acid at codon 413 is replaced by aspartic acid, an amino acid with highly similar properties. This amino acid position is conserved. In addition, this alteration is predicted to be tolerated by in silico analysis. Based on the available evidence, the clinical significance of this variant remains unclear.